The following is an entry in ClinVar:

NM_006939.4(SOS2):c.3188_3195delinsTAAACC (p.Pro1063fs)

Gene: SOS2 (SOS Ras/Rho guanine nucleotide exchange factor 2; minus strand). Cytogenetic location: 14q21.3.
Variant type: Indel.
Coding change: c.3188_3195delinsTAAACC on transcript NM_006939.4 (MANE Select); coding-DNA positions 3188 to 3195, CATGTAAA replaced by TAAACC.
Protein change: p.Pro1063fs; shifts the reading frame from proline 1063.
Molecular consequence: frameshift variant.
Genome position (GRCh38, 1-based): chr14:50,130,643-50,130,650, TTTACATG replaced by GGTTTA on the plus strand (CATGTAAA replaced by TAAACC on the coding strand, the reverse complement: SOS2 is on the minus strand). VCF-style: chr14-50130643-TTTACATG-GGTTTA. GRCh37 (hg19) VCF-style: chr14-50597361-TTTACATG-GGTTTA.
Other names: c.3188_3195delCATGTAAAinsTAAACC (NM_006939.2); c.3089_3096delinsTAAACC, p.Pro1030fs (NM_001411020.1); c.3188_3195delinsTAAACC (NM_006939.2); short protein forms P1063fs, P1030fs.
Identifiers: ClinVar variation 2231012 (VCV002231012.4), dbSNP rs2502825953, ClinGen allele CA2580088161.

ClinVar aggregate classification (germline): Conflicting classifications of pathogenicity. Review status: criteria provided, conflicting classifications (1 of 4 stars). 2 submissions from 2 submitters: Uncertain significance (1); Likely benign (1). Last evaluated 2026-07-22.

Conditions:
Cardiovascular phenotype. Identifiers: MedGen CN230736.

Submissions (2):

Ambry Genetics
Classification: Likely benign for Cardiovascular phenotype. Last evaluated: 2026-07-22. Review status: criteria provided, single submitter. Criteria: Ambry Variant Classification Scheme 2023. Collection method: clinical testing. Allele origin: germline.

GeneDx
Classification: Uncertain significance. Last evaluated: 2024-09-30. Review status: criteria provided, single submitter. Criteria: GeneDx Variant Classification Process June 2021. Collection method: clinical testing. Allele origin: germline. Affected: yes.
Comment: Not observed at significant frequency in large population cohorts (gnomAD); Frameshift variant predicted to result in protein truncation or nonsense mediated decay in a gene for which loss-of-function is not a known mechanism of disease; Has not been previously published as pathogenic or benign to our knowledge